The following is an entry in ClinVar:

ClinVar aggregate classification (germline): Uncertain significance (1 of 4 stars; one submission).

Submission:

Labcorp Genetics (formerly Invitae), Labcorp
Classification: Uncertain significance. Last evaluated: 2024-02-24. Review status: criteria provided, single submitter. Criteria: Invitae Variant Classification Sherloc (09022015). Collection method: clinical testing. Allele origin: germline.
Comment: This sequence change replaces threonine, which is neutral and polar, with isoleucine, which is neutral and non-polar, at codon 1578 of the VCAN protein (p.Thr1578Ile). This variant is not present in population databases (gnomAD no frequency). This variant has not been reported in the literature in individuals affected with VCAN-related conditions. ClinVar contains an entry for this variant (Variation ID: 1436561). Algorithms developed to predict the effect of missense changes on protein structure and function output the following: SIFT: "Not Available"; PolyPhen-2: "Benign"; Align-GVGD: "Not Available". The isoleucine amino acid residue is found in multiple mammalian species, which suggests that this missense change does not adversely affect protein function. In summary, the available evidence is currently insufficient to determine the role of this variant in disease. Therefore, it has been classified as a Variant of Uncertain Significance.

NM_004385.5(VCAN):c.4733C>T (p.Thr1578Ile)

Genes: VCAN (versican; plus strand), VCAN-AS1 (VCAN antisense RNA 1; minus strand). Cytogenetic location: 5q14.3.
Variant type: single nucleotide variant.
Coding change: c.4733C>T on transcript NM_004385.5 (MANE Select); coding-DNA position 4733, C replaced by T.
Protein change: p.Thr1578Ile; replaces threonine 1578 with isoleucine.
Molecular consequence: missense variant. On other transcripts: intron variant (2).
Genome position (GRCh38, 1-based): chr5:83,537,736, C>T. VCF-style: chr5-83537736-C-T. GRCh37 (hg19) VCF-style: chr5-82833555-C-T.
Other names: c.1772C>T, p.Thr591Ile (NM_001164097.2); c.4004-7801C>T (NM_001164098.2); c.1043-7801C>T (NM_001126336.3); short protein forms T1578I, T591I.
Identifiers: ClinVar variation 1436561 (VCV001436561.8), dbSNP rs2112440709, ClinGen allele CA360308899.